The following is an entry in ClinVar:

ClinVar aggregate classification (germline): Likely pathogenic (1 of 4 stars; one submission).

Conditions:
Mucopolysaccharidosis, MPS-II (MPS2). Also called: Hunter Syndrome; IDURONATE 2-SULFATASE DEFICIENCY; Mucopolysaccharidosis Type II; Mucopolysaccharidosis type 2; Attenuated MPS (subtype; formerly known as mild MPS II); Severe MPS II. Identifiers: Orphanet 580, Orphanet 79388, MedGen C0026705, MONDO:0010674, OMIM 309900.

Submission:

Laboratory of Diagnosis and Therapy of Lysosomal Disorders, University of Padova
Classification: Likely pathogenic for Mucopolysaccharidosis, MPS-II. Last evaluated: 2024-06-07. Review status: criteria provided, single submitter. Criteria: ACMG Guidelines, 2015. Collection method: literature only. Allele origin: germline. Affected: yes. Observed: 1 variant allele.
Comment: Absent from controls (or at low frequency) in gnomAD database (PM2_Moderate), Missense variant in a gene with a low rate of benign missense variation (PP2_Supporting), Multiple lines of computational evidence support a deleterious effect (PP3_Supporting), Patient’s phenotype or family history highly specific for the disease (PP4_Strong)

Classification method: ACMG Guidelines [PMID:25741868] with modifications

Literature cited by the submitters: PubMed 35005816.

NM_000202.8(IDS):c.268T>C (p.Ser90Pro)

Gene: IDS (iduronate 2-sulfatase; minus strand). Cytogenetic location: Xq28.
Variant type: single nucleotide variant.
Coding change: c.268T>C on transcript NM_000202.8 (MANE Select); coding-DNA position 268, T replaced by C.
Protein change: p.Ser90Pro; replaces serine 90 with proline.
Molecular consequence: missense variant. On other transcripts: non-coding transcript variant (1), intron variant (1).
Genome position (GRCh38, 1-based): chrX:149,503,462, A>G on the plus strand (T>C on the coding strand, the complement: IDS is on the minus strand). VCF-style: chrX-149503462-A-G. GRCh37 (hg19) VCF-style: chrX-148584992-A-G.
Other names: c.268T>C, p.Ser90Pro (NM_006123.5); c.15-17T>C (NM_001166550.4); short protein forms S90P.
Identifiers: ClinVar variation 3255646 (VCV003255646.2).